The following is an entry in ClinVar:

NM_002225.5(IVD):c.634G>C (p.Asp212His)

Gene: IVD (isovaleryl-CoA dehydrogenase; plus strand). Cytogenetic location: 15q15.1.
Variant type: single nucleotide variant.
Coding change: c.634G>C on transcript NM_002225.5 (MANE Select); coding-DNA position 634, G replaced by C.
Protein change: p.Asp212His; replaces aspartic acid 212 with histidine.
Molecular consequence: missense variant. On other transcripts: non-coding transcript variant (1).
Genome position (GRCh38, 1-based): chr15:40,411,638, G>C. VCF-style: chr15-40411638-G-C. GRCh37 (hg19) VCF-style: chr15-40703837-G-C.
Other names: c.544G>C, p.Asp182His (NM_001159508.3); c.586G>C, p.Asp196His (NM_001354597.3); c.634G>C, p.Asp212His (NM_001354598.3, NM_001354601.3); c.721G>C, p.Asp241His (NM_001354599.3, NM_001354600.3); short protein forms D241H, D182H, D212H, D196H.
Identifiers: ClinVar variation 2117980 (VCV002117980.4), dbSNP rs1011144878, ClinGen allele CA391717793.

ClinVar aggregate classification (germline): Uncertain significance (1 of 4 stars; one submission).

Conditions:
Isovaleryl-CoA dehydrogenase deficiency (IVA). Also called: IVD DEFICIENCY; Classic Isovaleric Acidemia; ISOVALERIC ACID CoA DEHYDROGENASE DEFICIENCY; Isovaleric acidemia. Identifiers: Orphanet 33, MedGen C0268575, MONDO:0009475, OMIM 243500.

Submission:

Labcorp Genetics (formerly Invitae), Labcorp
Classification: Uncertain significance for Isovaleryl-CoA dehydrogenase deficiency. Last evaluated: 2022-03-27. Review status: criteria provided, single submitter. Criteria: Invitae Variant Classification Sherloc (09022015). Collection method: clinical testing. Allele origin: germline.
Comment: This variant is not present in population databases (gnomAD no frequency). In summary, the available evidence is currently insufficient to determine the role of this variant in disease. Therefore, it has been classified as a Variant of Uncertain Significance. Algorithms developed to predict the effect of sequence changes on RNA splicing suggest that this variant may disrupt the consensus splice site. Algorithms developed to predict the effect of missense changes on protein structure and function are either unavailable or do not agree on the potential impact of this missense change (SIFT: "Deleterious"; PolyPhen-2: "Possibly Damaging"; Align-GVGD: "Class C0"). This variant has not been reported in the literature in individuals affected with IVD-related conditions. This sequence change replaces aspartic acid, which is acidic and polar, with histidine, which is basic and polar, at codon 215 of the IVD protein (p.Asp215His).